The following is an entry in ClinVar:

ClinVar aggregate classification (germline): Likely pathogenic (1 of 4 stars; one submission).

Conditions:
Fanconi anemia (FA). Also called: Fanconi's anemia. Identifiers: Orphanet 84, MedGen C0015625, MeSH D005199, MONDO:0019391.

Submission:

Labcorp Genetics (formerly Invitae), Labcorp
Classification: Likely pathogenic for Fanconi anemia. Last evaluated: 2022-09-19. Review status: criteria provided, single submitter. Criteria: Invitae Variant Classification Sherloc (09022015). Collection method: clinical testing. Allele origin: germline.
Comment: This variant has not been reported in the literature in individuals affected with FANCA-related conditions. In summary, the currently available evidence indicates that the variant is pathogenic, but additional data are needed to prove that conclusively. Therefore, this variant has been classified as Likely Pathogenic. This variant results in a copy number gain of the genomic region encompassing exon(s) 32 of the FANCA gene. While the exact position of this variant cannot be determined from the data, sub-genic copy number gains are generally in tandem (PMID: 25640679). This variant is predicted to be out-of-frame, and may result in an absent or disrupted protein product. Loss-of-function variants in FANCA are known to be pathogenic (PMID: 19367192).

Literature cited by the submitters: PubMed 25640679; PubMed 19367192.

NC_000016.9:g.(?_89816056)_(89816320_?)dup

Gene: FANCA (FA complementation group A; minus strand). Cytogenetic location: 16q24.3.
Variant type: Duplication.
Identifiers: ClinVar variation 1067330 (VCV001067330.6).